The following is an entry in ClinVar:

NM_001277115.2(DNAH11):c.10079C>T (p.Ala3360Val)

Gene: DNAH11 (dynein axonemal heavy chain 11; plus strand). Cytogenetic location: 7p15.3.
Variant type: single nucleotide variant.
Coding change: c.10079C>T on transcript NM_001277115.2 (MANE Select); coding-DNA position 10079, C replaced by T.
Protein change: p.Ala3360Val; replaces alanine 3360 with valine.
Molecular consequence: missense variant.
Genome position (GRCh38, 1-based): chr7:21,801,189, C>T. VCF-style: chr7-21801189-C-T. GRCh37 (hg19) VCF-style: chr7-21840807-C-T.
Other names: short protein forms A3360V.
Identifiers: ClinVar variation 3703045 (VCV003703045.2).

ClinVar aggregate classification (germline): Uncertain significance (1 of 4 stars; one submission).

Conditions:
Primary ciliary dyskinesia. Also called: Ciliary dyskinesia. Identifiers: Orphanet 244, MedGen C0008780, MONDO:0016575, HP:0012265.

gnomAD v4.1: 4 of 1,613,072 alleles (0.00025%); highest among the groups gnomAD compares: African/African-American, 0.0053%; no homozygotes.

Submission:

Labcorp Genetics (formerly Invitae), Labcorp
Classification: Uncertain significance for Primary ciliary dyskinesia. Last evaluated: 2024-11-11. Review status: criteria provided, single submitter. Criteria: Invitae Variant Classification Sherloc (09022015). Collection method: clinical testing. Allele origin: germline.
Comment: This sequence change replaces alanine, which is neutral and non-polar, with valine, which is neutral and non-polar, at codon 3360 of the DNAH11 protein (p.Ala3360Val). This variant is not present in population databases (gnomAD no frequency). This variant has not been reported in the literature in individuals affected with DNAH11-related conditions. Invitae Evidence Modeling of protein sequence and biophysical properties (such as structural, functional, and spatial information, amino acid conservation, physicochemical variation, residue mobility, and thermodynamic stability) indicates that this missense variant is not expected to disrupt DNAH11 protein function with a negative predictive value of 95%. In summary, the available evidence is currently insufficient to determine the role of this variant in disease. Therefore, it has been classified as a Variant of Uncertain Significance.